The following is an entry in ClinVar:

NM_021005.4(NR2F2):c.394C>T (p.Gln132Ter)

Gene: NR2F2 (nuclear receptor subfamily 2 group F member 2; plus strand). Cytogenetic location: 15q26.2.
Variant type: single nucleotide variant.
Coding change: c.394C>T on transcript NM_021005.4 (MANE Select); coding-DNA position 394, C replaced by T.
Protein change: p.Gln132Ter; replaces glutamine 132 with a stop codon.
Molecular consequence: nonsense. On other transcripts: intron variant (1).
Genome position (GRCh38, 1-based): chr15:96,332,499, C>T. VCF-style: chr15-96332499-C-T. GRCh37 (hg19) VCF-style: chr15-96875728-C-T.
Other names: c.44-1577C>T (NM_001145155.2); short protein forms Q132*.
Identifiers: ClinVar variation 4085859 (VCV004085859.8).

ClinVar aggregate classification (germline): Pathogenic (1 of 4 stars; one submission).

Submission:

CeGaT Center for Human Genetics Tuebingen
Classification: Pathogenic. Last evaluated: 2025-08-01. Review status: criteria provided, single submitter. Criteria: CeGaT Center For Human Genetics Tuebingen Variant Classification Criteria Version 2. Collection method: clinical testing. Allele origin: germline. Affected: yes. Observed: 1 variant allele.
Comment: NR2F2: PVS1, PM2